The following is an entry in ClinVar:

ClinVar aggregate classification (germline): Likely benign. Review status: criteria provided, multiple submitters, no conflicts (2 of 4 stars). 2 submissions from 2 submitters: Likely benign (2). Last evaluated 2024-07-01.

Conditions:
Leigh syndrome (NULS). Also called: Leigh's syndrome; Subacute necrotizing encephalopathy; Necrotizing encephalopathy infantile subacute of Leigh; Leigh Disease; Leigh's necrotizing encephalopathy; Leigh's disease. Identifiers: Orphanet 506, MedGen C2931891, MONDO:0009723, OMIM 256000.

Allele frequency attached by ClinVar (database versions not stated): gnomAD 0.00001; TOPMed 0.00001.
gnomAD v4.1: 68 of 1,613,488 alleles (0.0042%); highest among the groups gnomAD compares: Non-Finnish European, 0.0047%; 1 homozygote.

Submissions (2):

Labcorp Genetics (formerly Invitae), Labcorp
Classification: Likely benign for Leigh syndrome. Last evaluated: 2024-07-01. Review status: criteria provided, single submitter. Criteria: Invitae Variant Classification Sherloc (09022015). Collection method: clinical testing. Allele origin: germline.

GeneDx
Classification: Likely benign. Last evaluated: 2017-01-19. Review status: criteria provided, single submitter. Criteria: GeneDx Variant Classification (06012015). Collection method: clinical testing. Allele origin: germline. Affected: yes.
Comment: This variant is considered likely benign or benign based on one or more of the following criteria: it is a conservative change, it occurs at a poorly conserved position in the protein, it is predicted to be benign by multiple in silico algorithms, and/or has population frequency not consistent with disease.

NM_003172.4(SURF1):c.900G>C (p.Val300=)

Gene: SURF1 (SURF1 cytochrome c oxidase assembly factor; minus strand). Cytogenetic location: 9q34.2.
Variant type: single nucleotide variant.
Coding change: c.900G>C on transcript NM_003172.4 (MANE Select); coding-DNA position 900, G replaced by C.
Protein change: p.Val300=; no amino-acid change (valine 300 retained).
Molecular consequence: synonymous variant.
Genome position (GRCh38, 1-based): chr9:133,351,916, C>G on the plus strand (G>C on the coding strand, the complement: SURF1 is on the minus strand). VCF-style: chr9-133351916-C-G. GRCh37 (hg19) VCF-style: chr9-136218771-C-G.
Other names: c.573G>C, p.Val191= (NM_001280787.1).
Identifiers: ClinVar variation 506789 (VCV000506789.10), dbSNP rs781873188, ClinGen allele CA200831853.
Genomic context (GRCh38, chr9:133,351,916, plus strand): 5'-TAAAGGCAGTCTTGAAATACTGCATTATCCAGGGACAGGGCTTCAGCAGCTGATCTGTCA[C>G]ACACCAGGTGTCCCACGTAGGAATTTCTTAAACCACAGGTAGGATGTAGCTGCAGAGAGT-3'
Protein context (NP_003163.1, residues 290-300): FKKFLRGTPG[Val300=]